The following is an entry in ClinVar:

ClinVar aggregate classification (germline): Likely benign. Review status: criteria provided, multiple submitters, no conflicts (2 of 4 stars). 2 submissions from 2 submitters: Likely benign (2). Last evaluated 2025-05-14.

Conditions:
Breast-ovarian cancer, familial, susceptibility to, 3. Also called: RAD51C-Related Breast/Ovarian Cancer. Identifiers: Orphanet 145, MedGen C3150659, MONDO:0013253, OMIM 613399.
Fanconi anemia complementation group O. Also called: RAD51C-Related Fanconi Anemia. Identifiers: Orphanet 84, MedGen C3150653, MONDO:0013248, OMIM 613390.

Allele frequency attached by ClinVar (database versions not stated): ESP Exome Variant Server 0.00008; gnomAD exomes below 0.00001; ExAC 0.00002.
gnomAD v4.1: 6 of 1,591,694 alleles (0.00038%); highest among the groups gnomAD compares: African/African-American, 0.0067%; no homozygotes.

Submissions (2):

Labcorp Genetics (formerly Invitae), Labcorp
Classification: Likely benign for Fanconi anemia complementation group O. Last evaluated: 2025-05-14. Review status: criteria provided, single submitter. Criteria: Invitae Variant Classification Sherloc (09022015). Collection method: clinical testing. Allele origin: germline.

Myriad Genetics, Inc.
Classification: Likely benign for Breast-ovarian cancer, familial, susceptibility to, 3. Last evaluated: 2025-02-18. Review status: criteria provided, single submitter. Criteria: Myriad Autosomal Dominant, Autosomal Recessive and X-Linked Classification Criteria (2023). Collection method: clinical testing. Allele origin: unknown.
Comment: This variant is considered likely benign. This variant is intronic and is not expected to impact mRNA splicing.

NM_058216.3(RAD51C):c.706-20A>G

Gene: RAD51C (RAD51 paralog C; plus strand). Cytogenetic location: 17q22.
Variant type: single nucleotide variant.
Coding change: c.706-20A>G on transcript NM_058216.3 (MANE Select); 20 bases into the intron before coding-DNA position 706, A replaced by G.
Molecular consequence: intron variant.
Genome position (GRCh38, 1-based): chr17:58,709,839, A>G. VCF-style: chr17-58709839-A-G. GRCh37 (hg19) VCF-style: chr17-56787200-A-G.
Identifiers: ClinVar variation 2711962 (VCV002711962.4), dbSNP rs374890526, ClinGen allele CA8677317.